The following is an entry in ClinVar:

ClinVar aggregate classification (germline): Likely pathogenic (1 of 4 stars; one submission).

Conditions:
Intellectual disability-microcephaly-strabismus-behavioral abnormalities syndrome. Also called: White-Sutton Syndrome. Identifiers: Orphanet 468678, MedGen C4225351, MONDO:0014606, OMIM 616364.

Submission:

Laboratorio de Genetica e Diagnostico Molecular, Hospital Israelita Albert Einstein
Classification: Likely pathogenic for Intellectual disability-microcephaly-strabismus-behavioral abnormalities syndrome. Last evaluated: 2022-11-18. Review status: criteria provided, single submitter. Criteria: ACMG Guidelines, 2015. Collection method: clinical testing. Allele origin: germline. Affected: yes. Observed: 1 variant allele.
Comment: ACMG classification criteria: PVS1 strong, PM2 moderated

NM_015100.4(POGZ):c.3124C>T (p.Gln1042Ter)

Gene: POGZ (pogo transposable element derived with ZNF domain; minus strand). Cytogenetic location: 1q21.3.
Variant type: single nucleotide variant.
Coding change: c.3124C>T on transcript NM_015100.4 (MANE Select); coding-DNA position 3124, C replaced by T.
Protein change: p.Gln1042Ter; replaces glutamine 1042 with a stop codon.
Molecular consequence: nonsense.
Genome position (GRCh38, 1-based): chr1:151,405,911, G>A on the plus strand (C>T on the coding strand, the complement: POGZ is on the minus strand). VCF-style: chr1-151405911-G-A. GRCh37 (hg19) VCF-style: chr1-151378387-G-A.
Other names: c.3097C>T, p.Gln1033Ter (NM_001194937.2); c.2938C>T, p.Gln980Ter (NM_001194938.2); c.3145C>T, p.Gln1049Ter (NM_001410860.1); c.2839C>T, p.Gln947Ter (NM_145796.4); c.2965C>T, p.Gln989Ter (NM_207171.2); short protein forms Q1033*, Q1042*, Q1049*, Q947*, Q980*, Q989*.
Identifiers: ClinVar variation 2431796 (VCV002431796.1), dbSNP rs1411399067, ClinGen allele CA341945469.